The following is an entry in ClinVar:

NM_003482.4(KMT2D):c.1117T>G (p.Ser373Ala)

Gene: KMT2D (lysine methyltransferase 2D; minus strand). Cytogenetic location: 12q13.12.
Variant type: single nucleotide variant.
Coding change: c.1117T>G on transcript NM_003482.4 (MANE Select); coding-DNA position 1117, T replaced by G.
Protein change: p.Ser373Ala; replaces serine 373 with alanine.
Molecular consequence: missense variant.
Genome position (GRCh38, 1-based): chr12:49,052,705, A>C on the plus strand (T>G on the coding strand, the complement: KMT2D is on the minus strand). VCF-style: chr12-49052705-A-C. GRCh37 (hg19) VCF-style: chr12-49446488-A-C.
Other names: short protein forms S373A.
Identifiers: ClinVar variation 2962891 (VCV002962891.3), dbSNP rs779996718, ClinGen allele CA384677300.

ClinVar aggregate classification (germline): Uncertain significance (1 of 4 stars; one submission).

Conditions:
Kabuki syndrome. Also called: NIIKAWA-KUROKI SYNDROME; Kabuki make-up syndrome. Identifiers: Orphanet 2322, MedGen C0796004, MONDO:0016512.

Allele frequency attached by ClinVar (database versions not stated): TOPMed below 0.00001.

Submission:

Labcorp Genetics (formerly Invitae), Labcorp
Classification: Uncertain significance for Kabuki syndrome. Last evaluated: 2022-11-28. Review status: criteria provided, single submitter. Criteria: Invitae Variant Classification Sherloc (09022015). Collection method: clinical testing. Allele origin: germline.
Comment: This sequence change replaces serine, which is neutral and polar, with alanine, which is neutral and non-polar, at codon 373 of the KMT2D protein (p.Ser373Ala). This variant is not present in population databases (gnomAD no frequency). This variant has not been reported in the literature in individuals affected with KMT2D-related conditions. Advanced modeling of protein sequence and biophysical properties (such as structural, functional, and spatial information, amino acid conservation, physicochemical variation, residue mobility, and thermodynamic stability) performed at Invitae indicates that this missense variant is not expected to disrupt KMT2D protein function. In summary, the available evidence is currently insufficient to determine the role of this variant in disease. Therefore, it has been classified as a Variant of Uncertain Significance.